The following is an entry in ClinVar:

ClinVar aggregate classification (germline): Uncertain significance (1 of 4 stars; one submission).

Allele frequency attached by ClinVar (database versions not stated): gnomAD 0.00001.

Submission:

Labcorp Genetics (formerly Invitae), Labcorp
Classification: Uncertain significance. Last evaluated: 2024-10-16. Review status: criteria provided, single submitter. Criteria: Invitae Variant Classification Sherloc (09022015). Collection method: clinical testing. Allele origin: germline.
Comment: This sequence change replaces valine, which is neutral and non-polar, with leucine, which is neutral and non-polar, at codon 6 of the CFAP298 protein (p.Val6Leu). This variant is not present in population databases (gnomAD no frequency). This variant has not been reported in the literature in individuals affected with CFAP298-related conditions. ClinVar contains an entry for this variant (Variation ID: 1963018). An algorithm developed to predict the effect of missense changes on protein structure and function (PolyPhen-2) suggests that this variant is likely to be tolerated. In summary, the available evidence is currently insufficient to determine the role of this variant in disease. Therefore, it has been classified as a Variant of Uncertain Significance.

NM_021254.4(CFAP298):c.16G>T (p.Val6Leu)

Genes: CFAP298 (cilia and flagella associated protein 298; minus strand), CFAP298-TCP10L (CFAP298-TCP10L readthrough; minus strand). Cytogenetic location: 21q22.11.
Variant type: single nucleotide variant.
Coding change: c.16G>T on transcript NM_021254.4 (MANE Select); coding-DNA position 16, G replaced by T.
Protein change: p.Val6Leu; replaces valine 6 with leucine.
Molecular consequence: missense variant. On other transcripts: non-coding transcript variant (2), 5 prime UTR variant (1).
Genome position (GRCh38, 1-based): chr21:32,612,228, C>A on the plus strand (G>T on the coding strand, the complement: CFAP298 is on the minus strand). VCF-style: chr21-32612228-C-A. GRCh37 (hg19) VCF-style: chr21-33984538-C-A.
Other names: c.16G>T, p.Val6Leu (NM_001350338.2, NM_001350335.2, NM_001350336.2 and 1 more transcripts); c.-214G>T (NM_001350334.2); short protein forms V6L.
Identifiers: ClinVar variation 1963018 (VCV001963018.5), dbSNP rs757272660, ClinGen allele CA410076843.
Genomic context (GRCh38, chr21:32,612,228, plus strand): 5'-CCTCCAGCTCGGTACTCCCAGGCGCCTGCAGCAGGAACTGGCTCTCGTCGCCCCGCTTCA[C>A]GTGCAGCAGAACCATGGCGGTCCCGCCGAGGTACTGAGGCGTTGAGAAGGCCCCGGCTGC-3'
Protein context (NP_067077.1, residues 1-16): MVLLH[Val6Leu]KRGDESQFLL